The following is an entry in ClinVar:

ClinVar aggregate classification (germline): Benign/Likely benign. Review status: criteria provided, multiple submitters, no conflicts (2 of 4 stars). 3 submissions from 3 submitters: Benign (1); Likely benign (2). Last evaluated 2025-10-16.

Conditions:
POLD1-related polyposis and colorectal cancer syndrome (CRCS10). Also called: Colorectal cancer, susceptibility to, 10; Colorectal cancer 10; COLORECTAL CANCER, SUSCEPTIBILITY TO, ON CHROMOSOME 19q. Identifiers: Orphanet 220460, MedGen C2675481, MONDO:0012953, OMIM 612591.
Hereditary cancer-predisposing syndrome. Also called: Hereditary Cancer Syndrome; Hereditary neoplastic syndrome; Neoplastic Syndromes, Hereditary; Tumor predisposition. Identifiers: Orphanet 140162, MedGen C0027672, MeSH D009386, MONDO:0015356.

Allele frequency attached by ClinVar (database versions not stated): gnomAD exomes below 0.00001 and 0.00001.
gnomAD v4.1: 2 of 1,564,946 alleles (0.00013%); highest among the groups gnomAD compares: Non-Finnish European, 0.00017%; no homozygotes.

Submissions (3):

Labcorp Genetics (formerly Invitae), Labcorp
Classification: Likely benign for POLD1-related polyposis and colorectal cancer syndrome. Last evaluated: 2025-10-16. Review status: criteria provided, single submitter. Criteria: Invitae Variant Classification Sherloc (09022015). Collection method: clinical testing. Allele origin: germline.

Myriad Genetics, Inc.
Classification: Benign for POLD1-related polyposis and colorectal cancer syndrome. Last evaluated: 2025-02-05. Review status: criteria provided, single submitter. Criteria: Myriad Autosomal Dominant, Autosomal Recessive and X-Linked Classification Criteria (2023). Collection method: clinical testing. Allele origin: unknown.
Comment: This variant is considered benign. This variant is a silent/synonymous amino acid change and it is not expected to impact splicing.

Ambry Genetics
Classification: Likely benign for Hereditary cancer-predisposing syndrome. Last evaluated: 2017-09-25. Review status: criteria provided, single submitter. Criteria: Ambry Variant Classification Scheme 2023. Collection method: clinical testing. Allele origin: germline.

NM_002691.4(POLD1):c.1011C>T (p.Ile337=)

Gene: POLD1 (DNA polymerase delta 1, catalytic subunit; plus strand). Cytogenetic location: 19q13.33.
Variant type: single nucleotide variant.
Coding change: c.1011C>T on transcript NM_002691.4 (MANE Select); coding-DNA position 1011, C replaced by T.
Protein change: p.Ile337=; no amino-acid change (isoleucine 337 retained).
Molecular consequence: synonymous variant. On other transcripts: non-coding transcript variant (1).
Genome position (GRCh38, 1-based): chr19:50,403,093, C>T. VCF-style: chr19-50403093-C-T. GRCh37 (hg19) VCF-style: chr19-50906350-C-T.
Other names: c.1011C>T, p.Ile337= (NM_001256849.1, NM_001308632.1).
Identifiers: ClinVar variation 711207 (VCV000711207.14), dbSNP rs1220975957, ClinGen allele CA508182512.
Genomic context (GRCh38, chr19:50,403,093, plus strand): 5'-TGCATCCTCCTGCCTCGCAGGCATCTTCCCTGAGCCTGAGCGGGACCCTGTCATCCAGAT[C>T]TGCTCGCTGGGCCTGCGCTGGGGGGAGCCGGAGCCCTTCCTACGCCTGGCGCTCACCCTG-3'
Protein context (NP_002682.2, residues 327-347): PEPERDPVIQ[Ile337=]CSLGLRWGEP